The following is an entry in ClinVar:

NM_004208.4(AIFM1):c.1265G>A (p.Arg422Gln)

Genes: AIFM1 (apoptosis inducing factor mitochondria associated 1; minus strand), RAB33A (RAB33A, member RAS oncogene family; plus strand). Cytogenetic location: Xq26.1.
Variant type: single nucleotide variant.
Coding change: c.1265G>A on transcript NM_004208.4 (MANE Select); coding-DNA position 1265, G replaced by A.
Protein change: p.Arg422Gln; replaces arginine 422 with glutamine.
Molecular consequence: missense variant. On other transcripts: 3 prime UTR variant (1), non-coding transcript variant (1).
Genome position (GRCh38, 1-based): chrX:130,136,085, C>T on the plus strand (G>A on the coding strand, the complement: AIFM1 is on the minus strand). VCF-style: chrX-130136085-C-T. GRCh37 (hg19) VCF-style: chrX-129270060-C-T.
Other names: c.248G>A, p.Arg83Gln (NM_001130846.4); c.*493G>A (NM_001130847.4); c.1253G>A, p.Arg418Gln (NM_145812.3); short protein forms R422Q, R83Q, R418Q.
Identifiers: ClinVar variation 162480 (VCV000162480.9), dbSNP rs724160021, ClinGen allele CA175068.

ClinVar aggregate classification (germline): Pathogenic/Likely pathogenic. Review status: criteria provided, multiple submitters, no conflicts (2 of 4 stars). 6 submissions from 6 submitters: Pathogenic (2); Likely pathogenic (2). 2 of the submissions do not count toward it. Last evaluated 2026-01-28.

Conditions:
Deafness, X-linked 5 (DFNX5). Also called: AUDITORY NEUROPATHY, X-LINKED, 1, WITH PERIPHERAL SENSORY NEUROPATHY; DEAFNESS, X-LINKED 5, WITH PERIPHERAL NEUROPATHY. Identifiers: Orphanet 139583, MedGen C1845095, OMIM 300614.
Charcot-Marie-Tooth Neuropathy X. Identifiers: MedGen CN118851.
Combined oxidative phosphorylation deficiency. Identifiers: MedGen C4540031, MONDO:0000732.
Severe X-linked mitochondrial encephalomyopathy. Also called: ENCEPHALOMYOPATHY, MITOCHONDRIAL, X-LINKED. Identifiers: Orphanet 238329, MedGen C3151753, MONDO:0010437, OMIM 300816.

Allele frequency attached by ClinVar (database versions not stated): gnomAD exomes 0.00001.
gnomAD v4.1: 7 of 1,211,731 alleles (0.00058%); highest among the groups gnomAD compares: Non-Finnish European, 0.00078%; no homozygotes.

Submissions (7):

GeneDx
Classification: Likely pathogenic. Last evaluated: 2026-01-28. Review status: criteria provided, single submitter. Criteria: GeneDx Variant Classification Process June 2021. Collection method: clinical testing. Allele origin: germline.
Comment: RNA studies found this variant results in a mixture of transcripts containing the p.(R422Q) missense variant and an in-frame deletion of 39 nucleotides, denoted as c.1267-1305del, p.423-435del (PMID: 37365177). Functional studies found both p.(R422Q), and p.423-435del resulted in impaired dimerization (PMID: 37365177); Not observed at significant frequency in large population cohorts (gnomAD); In silico analysis supports a deleterious effect on splicing; In silico analysis suggests that this missense variant does not alter protein structure/function; This variant is associated with the following publications: (PMID: 29605508, 33715390, 37405018, 33314127, 37365177, 34088005, 38043402, 35994922, 34356047, 38456936, 25986071, 33136644)

Labcorp Genetics (formerly Invitae), Labcorp
Classification: Pathogenic for Charcot-Marie-Tooth Neuropathy X; Combined oxidative phosphorylation deficiency. Last evaluated: 2023-07-28. Review status: criteria provided, single submitter. Criteria: Invitae Variant Classification Sherloc (09022015). Collection method: clinical testing. Allele origin: germline.
Comment: Advanced modeling of protein sequence and biophysical properties (such as structural, functional, and spatial information, amino acid conservation, physicochemical variation, residue mobility, and thermodynamic stability) performed at Invitae indicates that this missense variant is expected to disrupt AIFM1 protein function. For these reasons, this variant has been classified as Pathogenic. This variant disrupts the p.Arg422 amino acid residue in AIFM1. Other variant(s) that disrupt this residue have been determined to be pathogenic (PMID: 25986071, 31850270). This suggests that this residue is clinically significant, and that variants that disrupt this residue are likely to be disease-causing. Algorithms developed to predict the effect of sequence changes on RNA splicing suggest that this variant may create or strengthen a splice site. ClinVar contains an entry for this variant (Variation ID: 162480). This missense change has been observed in individual(s) with clinical features of AIFM1-related conditions (PMID: 25986071). It has also been observed to segregate with disease in related individuals. This variant is not present in population databases (gnomAD no frequency). This sequence change replaces arginine, which is basic and polar, with glutamine, which is neutral and polar, at codon 422 of the AIFM1 protein (p.Arg422Gln).

Baylor Genetics
Classification: Likely pathogenic for Severe X-linked mitochondrial encephalomyopathy. Last evaluated: 2023-01-30. Review status: criteria provided, single submitter. Criteria: ACMG Guidelines, 2015. Collection method: clinical testing. Allele origin: unknown.

Equipe Genetique des Anomalies du Developpement, Université de Bourgogne
Classification: Pathogenic for Deafness, X-linked 5. Last evaluated: 2023-01-25. Review status: criteria provided, single submitter. Criteria: ACMG Guidelines, 2015. Collection method: clinical testing. Allele origin: maternal. Inheritance: X-linked inheritance. Affected: yes.

OMIM
Classification: Pathogenic for DEAFNESS, X-LINKED 5. Last evaluated: 2015-08-01. Review status: no assertion criteria provided. Collection method: literature only. Allele origin: germline. Not counted in ClinVar's aggregate classification.

Deafness Gene Diagnosis, Xijing Hospital
Classification: Likely pathogenic for Deafness, X-linked 5. Review status: no assertion criteria provided. Collection method: clinical testing. Allele origin: unknown. Inheritance: Sporadic. Affected: yes. Observed: 1 variant allele, 1 homozygote. Not counted in ClinVar's aggregate classification.
Comment: missense mutation in conserved position, not detected in normal control (118 people), and Mutationtaster predicted as Disease Causing

Dr. Peter K. Rogan Lab, Western University
No classification provided (evidence only). Condition: Thyroid cancer, nonmedullary, 1. Review status: no classification provided. Collection method: in vitro. Allele origin: not applicable. Functional consequence: retained intron. Not counted in ClinVar's aggregate classification.

Literature cited by the submitters: PubMed 25986071 (cited by Labcorp Genetics (formerly Invitae), Labcorp and OMIM); PubMed 31850270 (cited by Labcorp Genetics (formerly Invitae), Labcorp).